The following is an entry in ClinVar:

ClinVar aggregate classification (germline): Uncertain significance (1 of 4 stars; one submission).

Conditions:
Cataract 6 multiple types. Also called: CATARACT 6, POSTERIOR POLAR; CATARACT 6, CONGENITAL TOTAL; CATARACT, AGE-RELATED CORTICAL, 2. Identifiers: Orphanet 91492, MedGen C1861825, MONDO:0007288, OMIM 116600.

Allele frequency attached by ClinVar (database versions not stated): gnomAD exomes below 0.00001; TOPMed 0.00001.
gnomAD v4.1: 1 of 1,613,834 alleles (0.000062%); highest among the groups gnomAD compares: Non-Finnish European, 0.000085%; no homozygotes.

Submission:

Victorian Clinical Genetics Services, Murdoch Childrens Research Institute
Classification: Uncertain significance for Cataract 6 multiple types. Last evaluated: 2022-09-02. Review status: criteria provided, single submitter. Criteria: ACMG Guidelines, 2015. Collection method: clinical testing. Allele origin: germline. Inheritance: Autosomal dominant inheritance. Affected: yes.
Comment: Based on the classification scheme VCGS_Germline_v1.3.4, this variant is classified as VUS-3C. Following criteria are met: 0105 - The mechanism of disease for this gene is not clearly established. (I) 0107 - This gene is associated with autosomal dominant disease. (I) 0200 - Variant is predicted to result in a missense amino acid change from lysine to arginine. (I) 0251 - This variant is heterozygous. (I) 0301 - Variant is absent from gnomAD (both v2 and v3). (SP) 0309 - An alternative amino acid change at the same position has been observed in gnomAD (v3) (1 heterozygote, 0 homozygotes). (I) 0503 - Missense variant consistently predicted to be tolerated by multiple in silico tools or not conserved in placental mammals with a minor amino acid change. (SB) 0600 - Variant is located in the annotated protein tyrosine and serine/threonine kinase domain (Decipher). (I) 0705 - No comparable missense variants have previous evidence for pathogenicity. (I) 0807 - This variant has no previous evidence of pathogenicity. (I) 0905 - No published segregation evidence has been identified for this variant. (I) 1007 - No published functional evidence has been identified for this variant. (I) 1208 - Inheritance information for this variant is not currently available in this individual. (I) Legend: (SP) - Supporting pathogenic, (I) - Information, (SB) - Supporting benign

NM_004431.5(EPHA2):c.1886A>G (p.Lys629Arg)

Gene: EPHA2 (EPH receptor A2; minus strand). Cytogenetic location: 1p36.13.
Variant type: single nucleotide variant.
Coding change: c.1886A>G on transcript NM_004431.5 (MANE Select); coding-DNA position 1886, A replaced by G.
Protein change: p.Lys629Arg; replaces lysine 629 with arginine.
Molecular consequence: missense variant.
Genome position (GRCh38, 1-based): chr1:16,133,347, T>C on the plus strand (A>G on the coding strand, the complement: EPHA2 is on the minus strand). VCF-style: chr1-16133347-T-C. GRCh37 (hg19) VCF-style: chr1-16459842-T-C.
Other names: c.1724A>G, p.Lys575Arg (NM_001329090.2); short protein forms K575R, K629R.
Identifiers: ClinVar variation 1806015 (VCV001806015.1), dbSNP rs2024615464, ClinGen allele CA338624958.